The following is an entry in ClinVar:

ClinVar aggregate classification (germline): Uncertain significance (1 of 4 stars; one submission).

Conditions:
Inborn genetic diseases. Identifiers: MedGen C0950123, MeSH D030342.

Submission:

Ambry Genetics
Classification: Uncertain significance for Inborn genetic diseases. Last evaluated: 2025-04-06. Review status: criteria provided, single submitter. Criteria: Ambry Variant Classification Scheme 2023. Collection method: clinical testing. Allele origin: germline.
Comment: The p.Q223K variant (also known as c.667C>A), located in coding exon 6 of the PAX5 gene, results from a C to A substitution at nucleotide position 667. The glutamine at codon 223 is replaced by lysine, an amino acid with similar properties. This amino acid position is conserved. In addition, this alteration is predicted to be deleterious by in silico analysis. Based on the available evidence, the clinical significance of this variant remains unclear.

NM_016734.3(PAX5):c.667C>A (p.Gln223Lys)

Gene: PAX5 (paired box 5; minus strand). Cytogenetic location: 9p13.2.
Variant type: single nucleotide variant.
Coding change: c.667C>A on transcript NM_016734.3 (MANE Select); coding-DNA position 667, C replaced by A.
Protein change: p.Gln223Lys; replaces glutamine 223 with lysine.
Molecular consequence: missense variant. On other transcripts: non-coding transcript variant (2).
Genome position (GRCh38, 1-based): chr9:36,966,662, G>T on the plus strand (C>A on the coding strand, the complement: PAX5 is on the minus strand). VCF-style: chr9-36966662-G-T. GRCh37 (hg19) VCF-style: chr9-36966659-G-T.
Other names: c.667C>A, p.Gln223Lys (NM_001280547.2, NM_001280548.2, NM_001280549.2 and 2 more transcripts); c.343C>A, p.Gln115Lys (NM_001280551.2, NM_001280556.2); c.538C>A, p.Gln180Lys (NM_001280553.2, NM_001280554.2); c.469C>A, p.Gln157Lys (NM_001280555.2); short protein forms Q115K, Q180K, Q223K, Q157K.
Identifiers: ClinVar variation 3928291 (VCV003928291.1).
Genomic context (GRCh38, chr9:36,966,662, plus strand): 5'-TCTCAAACACGCGGTCCAGCACCTCCAGCTGCTGCTGTGTGAACAAGTCTCCCCGCATCT[G>T]CTTCCGGAGGAAGTCTCTGCCCGGAAGCGAGTGGCCGTTCGGCACCGGAGACTCCTGAAT-3'
Protein context (NP_057953.1, residues 213-233): SLPGRDFLRK[Gln223Lys]MRGDLFTQQQ